The following is an entry in ClinVar:

NM_012062.5(DNM1L):c.1048G>A (p.Gly350Arg)

Gene: DNM1L (dynamin 1 like; plus strand). Cytogenetic location: 12p11.21.
Variant type: single nucleotide variant.
Coding change: c.1048G>A on transcript NM_012062.5 (MANE Select); coding-DNA position 1048, G replaced by A.
Protein change: p.Gly350Arg; replaces glycine 350 with arginine.
Molecular consequence: missense variant.
Genome position (GRCh38, 1-based): chr12:32,722,602, G>A. VCF-style: chr12-32722602-G-A. GRCh37 (hg19) VCF-style: chr12-32875536-G-A.
Other names: c.1048G>A, p.Gly350Arg (NM_001278463.2, NM_005690.5, NM_012063.4); c.1087G>A, p.Gly363Arg (NM_001278464.2, NM_001278465.2, NM_001330380.2); c.439G>A, p.Gly147Arg (NM_001278466.2); short protein forms G350R, G363R, G147R.
Identifiers: ClinVar variation 253267 (VCV000253267.2), dbSNP rs879255689, ClinGen allele CA10586279.

ClinVar aggregate classification (germline): Uncertain significance. Review status: criteria provided, single submitter (1 of 4 stars). 2 submissions from 2 submitters: Uncertain significance (1). 1 of the submissions does not count toward it. Last evaluated 2017-09-01.

Conditions:
Encephalopathy, lethal, due to defective mitochondrial peroxisomal fission 1. Identifiers: Orphanet 330050, MedGen C3280660, MONDO:0013726, OMIM 614388.

Submissions (2):

Baylor Genetics
Classification: Uncertain significance for Encephalopathy, lethal, due to defective mitochondrial peroxisomal fission 1. Last evaluated: 2017-09-01. Review status: criteria provided, single submitter. Criteria: ACMG Guidelines, 2015. Collection method: clinical testing. Allele origin: germline. Inheritance: Autosomal dominant inheritance. Affected: yes.

OMIM
Classification: Pathogenic for ENCEPHALOPATHY DUE TO DEFECTIVE MITOCHONDRIAL AND PEROXISOMAL FISSION 1. Last evaluated: 2016-08-25. Review status: no assertion criteria provided. Collection method: literature only. Allele origin: unknown. Not counted in ClinVar's aggregate classification.

Literature cited by the submitters: PubMed 25326635 (cited by Baylor Genetics); PubMed 26931468 (cited by OMIM).